The following is an entry in ClinVar:

ClinVar aggregate classification (germline): Benign (0 of 4 stars; one submission).

Conditions:
TGFBR3-related disorder. Also called: TGFBR3-related condition.

Allele frequency attached by ClinVar (database versions not stated): TOPMed 0.37546; ESP Exome Variant Server 0.38167; gnomAD 0.39103; 1000 Genomes Project 30x 0.39913; 1000 Genomes Project 0.40615; gnomAD exomes 0.41359; ExAC 0.41767.
gnomAD v4.1: 664,018 of 1,613,776 alleles (41%); highest among the groups gnomAD compares: East Asian, 45%; 138,302 homozygotes.

Submission:

PreventionGenetics, part of Exact Sciences
Classification: Benign for TGFBR3-related condition. Last evaluated: 2019-10-21. Review status: no assertion criteria provided. Collection method: clinical testing. Allele origin: germline.
Comment: This variant is classified as benign based on ACMG/AMP sequence variant interpretation guidelines (Richards et al. 2015 PMID: 25741868, with internal and published modifications).

NM_003243.5(TGFBR3):c.1206G>A (p.Pro402=)

Gene: TGFBR3 (transforming growth factor beta receptor 3; minus strand). Cytogenetic location: 1p22.1.
Variant type: single nucleotide variant.
Coding change: c.1206G>A on transcript NM_003243.5 (MANE Select); coding-DNA position 1206, G replaced by A.
Protein change: p.Pro402=; no amino-acid change (proline 402 retained).
Molecular consequence: synonymous variant. On other transcripts: non-coding transcript variant (1).
Genome position (GRCh38, 1-based): chr1:91,720,100, C>T on the plus strand (G>A on the coding strand, the complement: TGFBR3 is on the minus strand). VCF-style: chr1-91720100-C-T. GRCh37 (hg19) VCF-style: chr1-92185657-C-T.
Other names: c.1203G>A, p.Pro401= (NM_001195683.2, NM_001195684.1).
Identifiers: ClinVar variation 3059704 (VCV003059704.2), dbSNP rs1805112, ClinGen allele CA947852.